The following is an entry in ClinVar:

ClinVar aggregate classification (germline): Uncertain significance (1 of 4 stars; one submission).

Submission:

GeneDx
Classification: Uncertain significance. Last evaluated: 2019-12-05. Review status: criteria provided, single submitter. Criteria: GeneDx Variant Classification Process June 2021. Collection method: clinical testing. Allele origin: germline. Affected: yes.
Comment: Not observed in large population cohorts (Lek et al., 2016); In silico analysis, which includes protein predictors and evolutionary conservation, supports that this variant does not alter protein structure/function; Has not been previously published as pathogenic or benign to our knowledge

NM_019066.5(MAGEL2):c.572A>G (p.His191Arg)

Gene: MAGEL2 (MAGE family member L2; minus strand). Cytogenetic location: 15q11.2.
Variant type: single nucleotide variant.
Coding change: c.572A>G on transcript NM_019066.5 (MANE Select); coding-DNA position 572, A replaced by G.
Protein change: p.His191Arg; replaces histidine 191 with arginine.
Molecular consequence: missense variant.
Genome position (GRCh38, 1-based): chr15:23,647,171, T>C on the plus strand (A>G on the coding strand, the complement: MAGEL2 is on the minus strand). VCF-style: chr15-23647171-T-C. GRCh37 (hg19) VCF-style: chr15-23892318-T-C.
Other names: short protein forms H191R.
Identifiers: ClinVar variation 1215706 (VCV001215706.3), dbSNP rs2140718319, ClinGen allele CA391336955.